The following is an entry in ClinVar:

NM_001170629.2(CHD8):c.1752dup (p.Tyr585fs)

Gene: CHD8 (chromodomain helicase DNA binding protein 8; minus strand). Cytogenetic location: 14q11.2.
Variant type: Duplication.
Coding change: c.1752dup on transcript NM_001170629.2 (MANE Select); coding-DNA position 1752, one base duplicated (A; older notation c.1752dupA).
Protein change: p.Tyr585fs; shifts the reading frame from tyrosine 585.
Molecular consequence: frameshift variant.
Genome position (GRCh38, 1-based): chr14:21,415,872, T duplicated on the plus strand (A on the coding strand, the reverse complement: CHD8 is on the minus strand); the first of 7 consecutive T bases (chr14:21,415,872-21,415,878); duplicating any one gives the same sequence. VCF-style (leftmost placement, unchanged base first): chr14-21415871-A-AT. GRCh37 (hg19) VCF-style: chr14-21884030-A-AT.
Other names: c.915dup, p.Tyr306fs (NM_020920.4); short protein forms Y306fs, Y585fs.
Identifiers: ClinVar variation 2431875 (VCV002431875.2), dbSNP rs2501954565, ClinGen allele CA2580087820.

ClinVar aggregate classification (germline): Likely pathogenic (1 of 4 stars; one submission).

Conditions:
Intellectual developmental disorder with autism and macrocephaly. Also called: Autism, susceptibility to, 18; CHD8-Related Neurodevelopmental Disorder with Overgrowth. Identifiers: Orphanet 642675, MedGen C3554373, MONDO:0014017, OMIM 615032.

Submission:

Laboratorio de Genetica e Diagnostico Molecular, Hospital Israelita Albert Einstein
Classification: Likely pathogenic for Intellectual developmental disorder with autism and macrocephaly. Last evaluated: 2022-11-04. Review status: criteria provided, single submitter. Criteria: ACMG Guidelines, 2015. Collection method: clinical testing. Allele origin: germline. Affected: yes.
Comment: ACMG classification criteria: PVS1 very strong, PM2 moderated